The following is an entry in ClinVar:

NM_022168.4(IFIH1):c.149T>G (p.Val50Gly)

Gene: IFIH1 (interferon induced with helicase C domain 1; minus strand). Cytogenetic location: 2q24.2.
Variant type: single nucleotide variant.
Coding change: c.149T>G on transcript NM_022168.4 (MANE Select); coding-DNA position 149, T replaced by G.
Protein change: p.Val50Gly; replaces valine 50 with glycine.
Molecular consequence: missense variant.
Genome position (GRCh38, 1-based): chr2:162,318,159, A>C on the plus strand (T>G on the coding strand, the complement: IFIH1 is on the minus strand). VCF-style: chr2-162318159-A-C. GRCh37 (hg19) VCF-style: chr2-163174669-A-C.
Other names: short protein forms V50G.
Identifiers: ClinVar variation 2195086 (VCV002195086.4), dbSNP rs1231134534, ClinGen allele CA349014115.
Genomic context (GRCh38, chr2:162,318,159, plus strand): 5'-ACTCCCTTCTCCAAGGTGCTCAGCAGCAGTTCAACTGCCTGCATGTTCCCGGAGGTGGCG[A>C]CTGTCCTCTGAATCTGCTCCTTCACCTCTGCAGGCAGAAAGGTCAGGTAGTCCAGCACAG-3'
Protein context (NP_071451.2, residues 40-60): AEVKEQIQRT[Val50Gly]ATSGNMQAVE

ClinVar aggregate classification (germline): Uncertain significance (1 of 4 stars; one submission).

Conditions:
Aicardi-Goutieres syndrome 7 (AGS7). Identifiers: Orphanet 51, MedGen C3888244, MONDO:0014367, OMIM 615846.
Singleton-Merten syndrome 1 (SGMRT1). Also called: Widened medullary cavities of bone, aortic calcification, abnormal dentition, and muscular weakness; Syndrome of widened medullary cavities of the metacarpals and phalanges, aortic calcification and abnormal dentition. Identifiers: Orphanet 85191, MedGen C4225427, MONDO:0024535, OMIM 182250.

Allele frequency attached by ClinVar (database versions not stated): TOPMed below 0.00001; gnomAD 0.00001; gnomAD exomes 0.00001.
gnomAD v4.1: 10 of 1,614,036 alleles (0.00062%); highest among the groups gnomAD compares: Non-Finnish European, 0.00085%; no homozygotes.

Submission:

Labcorp Genetics (formerly Invitae), Labcorp
Classification: Uncertain significance for Aicardi-Goutieres syndrome 7; Singleton-Merten syndrome 1. Last evaluated: 2023-06-24. Review status: criteria provided, single submitter. Criteria: Invitae Variant Classification Sherloc (09022015). Collection method: clinical testing. Allele origin: germline.
Comment: Advanced modeling of protein sequence and biophysical properties (such as structural, functional, and spatial information, amino acid conservation, physicochemical variation, residue mobility, and thermodynamic stability) has been performed at Invitae for this missense variant, however the output from this modeling did not meet the statistical confidence thresholds required to predict the impact of this variant on IFIH1 protein function. In summary, the available evidence is currently insufficient to determine the role of this variant in disease. Therefore, it has been classified as a Variant of Uncertain Significance. ClinVar contains an entry for this variant (Variation ID: 2195086). This variant has not been reported in the literature in individuals affected with IFIH1-related conditions. This variant is not present in population databases (gnomAD no frequency). This sequence change replaces valine, which is neutral and non-polar, with glycine, which is neutral and non-polar, at codon 50 of the IFIH1 protein (p.Val50Gly).